The following is an entry in ClinVar:

ClinVar aggregate classification (germline): Uncertain significance. Review status: criteria provided, multiple submitters, no conflicts (2 of 4 stars). 2 submissions from 2 submitters: Uncertain significance (2). Last evaluated 2022-08-12.

Conditions:
ALG12-congenital disorder of glycosylation (CDG1G). Also called: CDG Ig; Congenital disorder of glycosylation, type Ig; ALG12-CDG. Identifiers: Orphanet 79324, MedGen C2931001, MONDO:0011783, OMIM 607143.

Allele frequency attached by ClinVar (database versions not stated): gnomAD exomes 0.00001 and 0.00004; gnomAD 0.00003 and 0.00004; TOPMed 0.00005; ExAC 0.00006; ESP Exome Variant Server 0.00008.
gnomAD v4.1: 27 of 1,614,124 alleles (0.0017%); highest among the groups gnomAD compares: Non-Finnish European, 0.0022%; no homozygotes.

Submissions (2):

Labcorp Genetics (formerly Invitae), Labcorp
Classification: Uncertain significance for ALG12-congenital disorder of glycosylation. Last evaluated: 2022-08-12. Review status: criteria provided, single submitter. Criteria: Invitae Variant Classification Sherloc (09022015). Collection method: clinical testing. Allele origin: germline.
Comment: This sequence change replaces threonine, which is neutral and polar, with arginine, which is basic and polar, at codon 476 of the ALG12 protein (p.Thr476Arg). This variant is present in population databases (rs142815771, gnomAD 0.008%). This variant has not been reported in the literature in individuals affected with ALG12-related conditions. ClinVar contains an entry for this variant (Variation ID: 342040). Algorithms developed to predict the effect of missense changes on protein structure and function (SIFT, PolyPhen-2, Align-GVGD) all suggest that this variant is likely to be tolerated. In summary, the available evidence is currently insufficient to determine the role of this variant in disease. Therefore, it has been classified as a Variant of Uncertain Significance.

Illumina Laboratory Services, Illumina
Classification: Uncertain significance for ALG12-congenital disorder of glycosylation. Last evaluated: 2018-01-13. Review status: criteria provided, single submitter. Criteria: ICSL Variant Classification Criteria 13 December 2019. Collection method: clinical testing. Allele origin: germline.

NM_024105.4(ALG12):c.1427C>G (p.Thr476Arg)

Gene: ALG12 (ALG12 alpha-1,6-mannosyltransferase; minus strand). Cytogenetic location: 22q13.33.
Variant type: single nucleotide variant.
Coding change: c.1427C>G on transcript NM_024105.4 (MANE Select); coding-DNA position 1427, C replaced by G.
Protein change: p.Thr476Arg; replaces threonine 476 with arginine.
Molecular consequence: missense variant.
Genome position (GRCh38, 1-based): chr22:49,903,878, G>C on the plus strand (C>G on the coding strand, the complement: ALG12 is on the minus strand). VCF-style: chr22-49903878-G-C. GRCh37 (hg19) VCF-style: chr22-50297526-G-C.
Other names: short protein forms T476R.
Identifiers: ClinVar variation 342040 (VCV000342040.9), dbSNP rs142815771, ClinGen allele CA10300217.